The following is an entry in ClinVar:

NM_001081563.1(DMPK):c.*224_*226CTG[(5-34)]

Variant type: Microsatellite.
Coding change: c.*224_*226CTG[(5-34)] on transcript NM_001081563.1.
Identifiers: ClinVar variation 65630 (VCV000065630.3).

ClinVar aggregate classification (germline): Benign (0 of 4 stars; one submission).

Conditions:
Steinert myotonic dystrophy syndrome (DM1). Also called: Myotonic dystrophy type 1; Dystrophia myotonica type 1; Steinert myotonic dystrophy; Steinert's disease; STEINERT DISEASE. Identifiers: Orphanet 273, MedGen C3250443, MONDO:0008056, OMIM 160900.

Submission:

GeneReviews
Classification: Benign for Myotonic Dystrophy Type 1. Last evaluated: 2013-05-16. Review status: no assertion criteria provided. Collection method: curation. Allele origin: unknown.
ClinVar note: Converted during submission from non-pathogenic to Benign.